The following is an entry in ClinVar:

NM_006912.6(RIT1):c.653T>C (p.Val218Ala)

Gene: RIT1 (Ras like without CAAX 1; minus strand). Cytogenetic location: 1q22.
Variant type: single nucleotide variant.
Coding change: c.653T>C on transcript NM_006912.6 (MANE Select); coding-DNA position 653, T replaced by C.
Protein change: p.Val218Ala; replaces valine 218 with alanine.
Molecular consequence: missense variant.
Genome position (GRCh38, 1-based): chr1:155,900,395, A>G on the plus strand (T>C on the coding strand, the complement: RIT1 is on the minus strand). VCF-style: chr1-155900395-A-G. GRCh37 (hg19) VCF-style: chr1-155870186-A-G.
Other names: c.545T>C, p.Val182Ala (NM_001256820.2); c.704T>C, p.Val235Ala (NM_001256821.2); short protein forms V182A, V235A, V218A.
Identifiers: ClinVar variation 4614840 (VCV004614840.2).

ClinVar aggregate classification (germline): Uncertain significance. Review status: criteria provided, multiple submitters, no conflicts (2 of 4 stars). 2 submissions from 2 submitters: Uncertain significance (2). Last evaluated 2026-02-17.

Conditions:
Cardiovascular phenotype. Identifiers: MedGen CN230736.

Submissions (2):

Women's Health and Genetics/Laboratory Corporation of America, LabCorp
Classification: Uncertain significance. Last evaluated: 2026-02-17. Review status: criteria provided, single submitter. Criteria: LabCorp Variant Classification Summary - May 2015. Collection method: clinical testing. Allele origin: germline.
Comment: Variant summary: RIT1 c.653T>C (p.Val218Ala) results in a non-conservative amino acid change in the encoded protein sequence. Algorithms developed to predict the effect of missense changes on protein structure and function are either unavailable or do not agree on the potential impact of this missense change. The variant allele was found at a frequency of 8e-06 in 251296 control chromosomes. The available data on variant occurrences in the general population are insufficient to allow any conclusion about variant significance. To our knowledge, no occurrence of c.653T>C in individuals affected with RIT1-related conditions and no experimental evidence demonstrating its impact on protein function have been reported. ClinVar contains an entry for this variant (Variation ID: 4614840). Based on the evidence outlined above, the variant was classified as uncertain significance.

Ambry Genetics
Classification: Uncertain significance for Cardiovascular phenotype. Last evaluated: 2025-10-24. Review status: criteria provided, single submitter. Criteria: Ambry Variant Classification Scheme 2023. Collection method: clinical testing. Allele origin: germline.